The following is an entry in ClinVar:

ClinVar aggregate classification (germline): Pathogenic (1 of 4 stars; one submission).

Submission:

CeGaT Center for Human Genetics Tuebingen
Classification: Pathogenic. Last evaluated: 2022-08-01. Review status: criteria provided, single submitter. Criteria: CeGaT Center For Human Genetics Tuebingen Variant Classification Criteria Version 2. Collection method: clinical testing. Allele origin: germline. Affected: yes. Observed: 1 variant allele.
Comment: FOXP1: PVS1, PM2

NM_001349338.3(FOXP1):c.508G>T (p.Glu170Ter)

Gene: FOXP1 (forkhead box P1; minus strand). Cytogenetic location: 3p13.
Variant type: single nucleotide variant.
Coding change: c.508G>T on transcript NM_001349338.3 (MANE Select); coding-DNA position 508, G replaced by T.
Protein change: p.Glu170Ter; replaces glutamic acid 170 with a stop codon.
Molecular consequence: nonsense. On other transcripts: non-coding transcript variant (2), intron variant (1).
Genome position (GRCh38, 1-based): chr3:71,052,539, C>A on the plus strand (G>T on the coding strand, the complement: FOXP1 is on the minus strand). VCF-style: chr3-71052539-C-A. GRCh37 (hg19) VCF-style: chr3-71101690-C-A.
Other names: c.508G>T, p.Glu170Ter (NM_001244808.3, NM_001244810.2, NM_001244814.3 and 4 more transcripts); c.208G>T, p.Glu70Ter (NM_001244813.3, NM_001244815.2, NM_001349342.3 and 1 more transcripts); c.205G>T, p.Glu69Ter (NM_001349337.2, NM_001349343.3, NM_001349344.3); c.505G>T, p.Glu169Ter (NM_001349341.3); c.283-5444G>T (NM_001244812.3); short protein forms E169*, E170*, E69*, E70*.
Identifiers: ClinVar variation 1711578 (VCV001711578.30), dbSNP rs2050050950, ClinGen allele CA353563621.